The following is an entry in ClinVar:

NM_000052.7(ATP7A):c.329C>T (p.Thr110Ile)

Gene: ATP7A (ATPase copper transporting alpha; plus strand). Cytogenetic location: Xq21.1.
Variant type: single nucleotide variant.
Coding change: c.329C>T on transcript NM_000052.7 (MANE Select); coding-DNA position 329, C replaced by T.
Protein change: p.Thr110Ile; replaces threonine 110 with isoleucine.
Molecular consequence: missense variant.
Genome position (GRCh38, 1-based): chrX:77,988,450, C>T. VCF-style: chrX-77988450-C-T. GRCh37 (hg19) VCF-style: chrX-77243946-C-T.
Other names: c.329C>T, p.Thr110Ile (NM_001282224.2); short protein forms T110I.
Identifiers: ClinVar variation 3750217 (VCV003750217.2).

ClinVar aggregate classification (germline): Uncertain significance (1 of 4 stars; one submission).

Conditions:
Menkes kinky-hair syndrome (MNK). Also called: Copper transport disease; Menkes Disease; Classic Menkes Disease. Identifiers: Orphanet 565, MedGen C0022716, MONDO:0010651, OMIM 309400.
X-linked distal spinal muscular atrophy type 3. Also called: ATP7A-Related Distal Motor Neuropathy; SPINAL MUSCULAR ATROPHY, DISTAL, X-LINKED RECESSIVE; NEURONOPATHY, DISTAL HEREDITARY MOTOR, X-LINKED; NEUROPATHY, DISTAL HEREDITARY MOTOR, X-LINKED. Identifiers: Orphanet 139557, MedGen C1845359, MONDO:0010338, OMIM 300489.
Cutis laxa, X-linked (OHS). Also called: EDS IX; Occipital horn syndrome. Identifiers: Orphanet 198, MedGen C0268353, MONDO:0010572, OMIM 304150.

Submission:

Labcorp Genetics (formerly Invitae), Labcorp
Classification: Uncertain significance for X-linked distal spinal muscular atrophy type 3; Cutis laxa, X-linked; Menkes kinky-hair syndrome. Last evaluated: 2024-10-28. Review status: criteria provided, single submitter. Criteria: Invitae Variant Classification Sherloc (09022015). Collection method: clinical testing. Allele origin: germline.
Comment: This sequence change replaces threonine, which is neutral and polar, with isoleucine, which is neutral and non-polar, at codon 110 of the ATP7A protein (p.Thr110Ile). This variant is not present in population databases (gnomAD no frequency). This variant has not been reported in the literature in individuals affected with ATP7A-related conditions. Invitae Evidence Modeling of protein sequence and biophysical properties (such as structural, functional, and spatial information, amino acid conservation, physicochemical variation, residue mobility, and thermodynamic stability) indicates that this missense variant is not expected to disrupt ATP7A protein function with a negative predictive value of 95%. In summary, the available evidence is currently insufficient to determine the role of this variant in disease. Therefore, it has been classified as a Variant of Uncertain Significance.